The following is an entry in ClinVar:

ClinVar aggregate classification (germline): Pathogenic (1 of 4 stars; one submission).

Conditions:
Duchenne muscular dystrophy (DMD). Also called: MUSCULAR DYSTROPHY, PSEUDOHYPERTROPHIC PROGRESSIVE, DUCHENNE TYPE; Duchenne Muscular Dystrophy (DMD). Identifiers: Orphanet 98896, MedGen C0013264, MONDO:0010679, OMIM 310200.

Submission:

Labcorp Genetics (formerly Invitae), Labcorp
Classification: Pathogenic for Duchenne muscular dystrophy. Last evaluated: 2025-04-23. Review status: criteria provided, single submitter. Criteria: Invitae Variant Classification Sherloc (09022015). Collection method: clinical testing. Allele origin: germline.
Comment: This sequence change creates a premature translational stop signal (p.Lys2129Asnfs*10) in the DMD gene. It is expected to result in an absent or disrupted protein product. Loss-of-function variants in DMD are known to be pathogenic (PMID: 16770791, 25007885). This variant is not present in population databases (gnomAD no frequency). This variant has not been reported in the literature in individuals affected with DMD-related conditions. For these reasons, this variant has been classified as Pathogenic.

Literature cited by the submitters: PubMed 16770791; PubMed 25007885.

NM_004006.3(DMD):c.6386_6387insCTGTTCTCAGAAA (p.Lys2129fs)

Gene: DMD (dystrophin; minus strand). Cytogenetic location: Xp21.1.
Variant type: Insertion.
Coding change: c.6386_6387insCTGTTCTCAGAAA on transcript NM_004006.3 (MANE Select); coding-DNA positions 6386 to 6387, CTGTTCTCAGAAA inserted.
Protein change: p.Lys2129fs; shifts the reading frame from lysine 2129.
Molecular consequence: frameshift variant.
Genome position: GRCh38 VCF-style: chrX-32216967-C-CTTTCTGAGAACAG. GRCh37 (hg19) VCF-style: chrX-32235084-C-CTTTCTGAGAACAG.
Other names: c.6362_6363insCTGTTCTCAGAAA, p.Lys2121fs (NM_000109.4); c.6374_6375insCTGTTCTCAGAAA, p.Lys2125fs (NM_004009.3); c.6017_6018insCTGTTCTCAGAAA, p.Lys2006fs (NM_004010.3); c.2363_2364insCTGTTCTCAGAAA, p.Lys788fs (NM_004011.4); c.2354_2355insCTGTTCTCAGAAA, p.Lys785fs (NM_004012.4); short protein forms K2006fs, K2121fs, K2129fs, K2125fs, K785fs, K788fs.
Identifiers: ClinVar variation 4715554 (VCV004715554.1).